The following is an entry in ClinVar:

NM_001292034.3(TAB2):c.1327A>G (p.Ile443Val)

Genes: TAB2 (TGF-beta activated kinase 1 (MAP3K7) binding protein 2; plus strand), LOC126859827 (BRD4-independent group 4 enhancer GRCh37_chr6:149699707-149700906; plus strand). Cytogenetic location: 6q25.1.
Variant type: single nucleotide variant.
Coding change: c.1327A>G on transcript NM_001292034.3 (MANE Select); coding-DNA position 1327, A replaced by G.
Protein change: p.Ile443Val; replaces isoleucine 443 with valine.
Molecular consequence: missense variant.
Genome position (GRCh38, 1-based): chr6:149,379,242, A>G. VCF-style: chr6-149379242-A-G. GRCh37 (hg19) VCF-style: chr6-149700378-A-G.
Other names: c.1231A>G, p.Ile411Val (NM_001292035.3); c.1327A>G, p.Ile443Val (NM_001369506.1, NM_015093.6); c.1327A>G (NM_015093.4); short protein forms I411V, I443V.
Identifiers: ClinVar variation 1374419 (VCV001374419.9), dbSNP rs777518336, ClinGen allele CA4041525.

ClinVar aggregate classification (germline): Uncertain significance. Review status: criteria provided, multiple submitters, no conflicts (2 of 4 stars). 2 submissions from 2 submitters: Uncertain significance (2). Last evaluated 2024-03-12.

Conditions:
Inborn genetic diseases. Identifiers: MedGen C0950123, MeSH D030342.

Allele frequency attached by ClinVar (database versions not stated): gnomAD exomes 0.00001 and 0.00003; ExAC 0.00002; gnomAD 0.00002; TOPMed 0.00004.
gnomAD v4.1: 17 of 1,614,076 alleles (0.0011%); highest among the groups gnomAD compares: South Asian, 0.012%; 1 homozygote.

Submissions (2):

Labcorp Genetics (formerly Invitae), Labcorp
Classification: Uncertain significance. Last evaluated: 2024-03-12. Review status: criteria provided, single submitter. Criteria: Invitae Variant Classification Sherloc (09022015). Collection method: clinical testing. Allele origin: germline.
Comment: This sequence change replaces isoleucine, which is neutral and non-polar, with valine, which is neutral and non-polar, at codon 443 of the TAB2 protein (p.Ile443Val). This variant is present in population databases (rs777518336, gnomAD 0.02%). This variant has not been reported in the literature in individuals affected with TAB2-related conditions. ClinVar contains an entry for this variant (Variation ID: 1374419). Advanced modeling of protein sequence and biophysical properties (such as structural, functional, and spatial information, amino acid conservation, physicochemical variation, residue mobility, and thermodynamic stability) performed at Invitae indicates that this missense variant is not expected to disrupt TAB2 protein function with a negative predictive value of 80%. In summary, the available evidence is currently insufficient to determine the role of this variant in disease. Therefore, it has been classified as a Variant of Uncertain Significance.

Ambry Genetics
Classification: Uncertain significance for Inborn genetic diseases. Last evaluated: 2021-08-12. Review status: criteria provided, single submitter. Criteria: Ambry Variant Classification Scheme 2023. Collection method: clinical testing. Allele origin: germline.